The following is an entry in ClinVar:

ClinVar aggregate classification (germline): Pathogenic/Likely pathogenic. Review status: criteria provided, multiple submitters, no conflicts (2 of 4 stars). 2 submissions from 2 submitters: Pathogenic (1); Likely pathogenic (1). Last evaluated 2025-03-10.

Conditions:
Walker-Warburg congenital muscular dystrophy. Also called: Muscular dystrophy-dystroglycanopathy, type A; Walker-Warburg syndrome. Identifiers: Orphanet 899, MedGen C0265221, MONDO:0000171.

Allele frequency attached by ClinVar (database versions not stated): gnomAD exomes below 0.00001; ExAC 0.00001.
gnomAD v4.1: 2 of 1,610,866 alleles (0.00012%); highest among the groups gnomAD compares: South Asian, 0.0011%; no homozygotes.

Submissions (2):

Natera, Inc.
Classification: Likely pathogenic for Walker-Warburg congenital muscular dystrophy. Last evaluated: 2025-03-10. Review status: criteria provided, single submitter. Criteria: Natera Variant Classification Schema (03/2026). Collection method: clinical testing. Allele origin: germline.
Comment: The c.658C>T variant in FKTN is a nonsense variant predicted to introduce a stop codon at amino acid 220. This variant is expected to result in nonsense mediated decay, truncation, or a dysfunctional protein product. This variant is rare in the general population with a frequency below the threshold expected for the associated phenotype(s). Given the available evidence, this variant is classified as Likely Pathogenic.

Labcorp Genetics (formerly Invitae), Labcorp
Classification: Pathogenic for Walker-Warburg congenital muscular dystrophy. Last evaluated: 2022-08-04. Review status: criteria provided, single submitter. Criteria: Invitae Variant Classification Sherloc (09022015). Collection method: clinical testing. Allele origin: germline.
Comment: This variant is present in population databases (rs754081311, gnomAD 0.003%). This sequence change creates a premature translational stop signal (p.Gln220*) in the FKTN gene. It is expected to result in an absent or disrupted protein product. Loss-of-function variants in FKTN are known to be pathogenic (PMID: 17044012, 17878207, 18752264). This premature translational stop signal has been observed in individual(s) with clinical features of FKTN-related conditions (PMID: 21520333). For these reasons, this variant has been classified as Pathogenic. ClinVar contains an entry for this variant (Variation ID: 842546).

Literature cited by the submitters: PubMed 17044012 (cited by Labcorp Genetics (formerly Invitae), Labcorp); PubMed 17878207 (cited by Labcorp Genetics (formerly Invitae), Labcorp); PubMed 18752264 (cited by Labcorp Genetics (formerly Invitae), Labcorp); PubMed 21520333 (cited by Labcorp Genetics (formerly Invitae), Labcorp).

NM_001079802.2(FKTN):c.658C>T (p.Gln220Ter)

Gene: FKTN (fukutin; plus strand). Cytogenetic location: 9q31.2.
Variant type: single nucleotide variant.
Coding change: c.658C>T on transcript NM_001079802.2 (MANE Select); coding-DNA position 658, C replaced by T.
Protein change: p.Gln220Ter; replaces glutamine 220 with a stop codon.
Molecular consequence: nonsense. On other transcripts: non-coding transcript variant (2).
Genome position (GRCh38, 1-based): chr9:105,607,829, C>T. VCF-style: chr9-105607829-C-T. GRCh37 (hg19) VCF-style: chr9-108370110-C-T.
Other names: c.658C>T, p.Gln220Ter (NM_001198963.2, NM_001351496.2, NM_001351498.2 and 1 more transcripts); c.589C>T, p.Gln197Ter (NM_001351497.2); c.262C>T, p.Gln88Ter (NM_001351499.2, NM_001351500.2, NM_001351501.2 and 1 more transcripts); short protein forms Q220*, Q88*, Q197*.
Identifiers: ClinVar variation 842546 (VCV000842546.11), dbSNP rs754081311, ClinGen allele CA5170467.
Genomic context (GRCh38, chr9:105,607,829, plus strand): 5'-CTCCCTGTTTCCCCCACCCCTCATTAATAAATCTTAACTTTTGTTTTCAGGCCAGAGTTA[C>T]AGCAAGTTACTGTTGATGGACTGGAAGTTCTCATTCCAAAGGATCCAATGCACTTTGTAG-3'